The following is an entry in ClinVar:

NM_001252024.2(TRPM1):c.585C>T (p.Ile195=)

Gene: TRPM1 (transient receptor potential cation channel subfamily M member 1; minus strand). Cytogenetic location: 15q13.3.
Variant type: single nucleotide variant.
Coding change: c.585C>T on transcript NM_001252024.2 (MANE Select); coding-DNA position 585, C replaced by T.
Protein change: p.Ile195=; no amino-acid change (isoleucine 195 retained).
Molecular consequence: synonymous variant.
Genome position (GRCh38, 1-based): chr15:31,067,096, G>A on the plus strand (C>T on the coding strand, the complement: TRPM1 is on the minus strand). VCF-style: chr15-31067096-G-A. GRCh37 (hg19) VCF-style: chr15-31359299-G-A.
Other names: c.636C>T, p.Ile212= (NM_001252020.2); c.519C>T, p.Ile173= (NM_002420.6); c.636C>T (NM_001252020.1).
Identifiers: ClinVar variation 1169613 (VCV001169613.11), dbSNP rs752558909, ClinGen allele CA7452906.
Genomic context (GRCh38, chr15:31,067,096, plus strand): 5'-GCCAACATTTGCAGAGAAAACACTTACATCCTTTCCAACCAGGTCTTCCTTATTCTCCAC[G>A]ATGCCCCATGGAGCAATTCCTATAGCACAAACCCGGCCTCTGGACTTGGAGGAGTGGTCT-3'
Protein context (NP_001238953.1, residues 185-205): VCAIGIAPWG[Ile195=]VENKEDLVGK

ClinVar aggregate classification (germline): Benign/Likely benign. Review status: criteria provided, multiple submitters, no conflicts (2 of 4 stars). 3 submissions from 3 submitters: Benign (1); Likely benign (2). Last evaluated 2025-09-22.

Conditions:
TRPM1-related disorder. Also called: TRPM1-related condition.

Allele frequency attached by ClinVar (database versions not stated): gnomAD 0.00007; TOPMed 0.00013.

Submissions (3):

PreventionGenetics, part of Exact Sciences
Classification: Likely benign for TRPM1-related condition. Last evaluated: 2025-09-22. Review status: criteria provided, single submitter. Criteria: ACMG Guidelines, 2015. Collection method: clinical testing. Allele origin: germline.
Comment: This variant is classified as likely benign based on ACMG/AMP sequence variant interpretation guidelines (Richards et al. 2015 PMID: 25741868, with internal and published modifications).

Labcorp Genetics (formerly Invitae), Labcorp
Classification: Benign. Last evaluated: 2025-06-12. Review status: criteria provided, single submitter. Criteria: Invitae Variant Classification Sherloc (09022015). Collection method: clinical testing. Allele origin: germline.

Blueprint Genetics
Classification: Likely benign. Last evaluated: 2022-01-11. Review status: criteria provided, single submitter. Criteria: ACMG Guidelines, 2015. Collection method: clinical testing. Allele origin: germline.